The following is an entry in ClinVar:

ClinVar aggregate classification (germline): Uncertain significance. Review status: criteria provided, multiple submitters, no conflicts (2 of 4 stars). 2 submissions from 2 submitters: Uncertain significance (2). Last evaluated 2026-03-21.

Conditions:
Cardiovascular phenotype. Identifiers: MedGen CN230736.
Familial thoracic aortic aneurysm and aortic dissection (TAAD). Also called: Thoracic aortic aneurysms and dissections. Identifiers: Orphanet 91387, MedGen C4707243, MONDO:0019625.

gnomAD v4.1: 3 of 1,606,522 alleles (0.00019%); highest among the groups gnomAD compares: South Asian, 0.0011%; no homozygotes.

Submissions (2):

Ambry Genetics
Classification: Uncertain significance for Cardiovascular phenotype. Last evaluated: 2026-03-21. Review status: criteria provided, single submitter. Criteria: Ambry Variant Classification Scheme 2023. Collection method: clinical testing. Allele origin: germline.
Comment: The p.L19F variant (also known as c.55C>T), located in coding exon 1 of the MAT2A gene, results from a C to T substitution at nucleotide position 55. The leucine at codon 19 is replaced by phenylalanine, an amino acid with highly similar properties. This amino acid position is conserved. In addition, the in silico prediction for this alteration is inconclusive. Based on the available evidence, the clinical significance of this variant remains unclear.

Labcorp Genetics (formerly Invitae), Labcorp
Classification: Uncertain significance for Familial thoracic aortic aneurysm and aortic dissection. Last evaluated: 2024-08-07. Review status: criteria provided, single submitter. Criteria: Invitae Variant Classification Sherloc (09022015). Collection method: clinical testing. Allele origin: germline.
Comment: This sequence change replaces leucine, which is neutral and non-polar, with phenylalanine, which is neutral and non-polar, at codon 19 of the MAT2A protein (p.Leu19Phe). This variant is not present in population databases (gnomAD no frequency). This variant has not been reported in the literature in individuals affected with MAT2A-related conditions. ClinVar contains an entry for this variant (Variation ID: 1039380). Advanced modeling of protein sequence and biophysical properties (such as structural, functional, and spatial information, amino acid conservation, physicochemical variation, residue mobility, and thermodynamic stability) performed at Invitae indicates that this missense variant is not expected to disrupt MAT2A protein function with a negative predictive value of 80%. In summary, the available evidence is currently insufficient to determine the role of this variant in disease. Therefore, it has been classified as a Variant of Uncertain Significance.

NM_005911.6(MAT2A):c.55C>T (p.Leu19Phe)

Gene: MAT2A (methionine adenosyltransferase 2A; plus strand). Cytogenetic location: 2p11.2.
Variant type: single nucleotide variant.
Coding change: c.55C>T on transcript NM_005911.6 (MANE Select); coding-DNA position 55, C replaced by T.
Protein change: p.Leu19Phe; replaces leucine 19 with phenylalanine.
Molecular consequence: missense variant.
Genome position (GRCh38, 1-based): chr2:85,539,342, C>T. VCF-style: chr2-85539342-C-T. GRCh37 (hg19) VCF-style: chr2-85766465-C-T.
Other names: c.55C>T (NM_005911.5); short protein forms L19F.
Identifiers: ClinVar variation 1039380 (VCV001039380.9), dbSNP rs1691389356, ClinGen allele CA347475213.